The following is an entry in ClinVar:

ClinVar aggregate classification (germline): Uncertain significance. Review status: criteria provided, multiple submitters, no conflicts (2 of 4 stars). 3 submissions from 3 submitters: Uncertain significance (3). Last evaluated 2026-09-01.

Conditions:
Ehlers-Danlos syndrome, kyphoscoliotic type 1 (EDSKSCL1). Also called: Ehlers-Danlos syndrome, hydroxylysine-deficient; PLOD1-Related Kyphoscoliotic Ehlers-Danlos Syndrome; EHLERS-DANLOS SYNDROME, TYPE VIA; EHLERS-DANLOS SYNDROME, OCULAR-SCOLIOTIC TYPE. Identifiers: Orphanet 1900, MedGen C0268342, MONDO:0016002, OMIM 225400. Disease mechanism: loss of function.
Familial thoracic aortic aneurysm and aortic dissection (TAAD). Also called: Thoracic aortic aneurysms and dissections. Identifiers: Orphanet 91387, MedGen C4707243, MONDO:0019625.

Allele frequency attached by ClinVar (database versions not stated): gnomAD 0.00001; gnomAD exomes 0.00001 and 0.00002; TOPMed 0.00001; ExAC 0.00003.
gnomAD v4.1: 21 of 1,613,610 alleles (0.0013%); highest among the groups gnomAD compares: South Asian, 0.0077%; no homozygotes.

Submissions (3):

CeGaT Center for Human Genetics Tuebingen
Classification: Uncertain significance. Last evaluated: 2026-09-01. Review status: criteria provided, single submitter. Criteria: CeGaT Center For Human Genetics Tuebingen Variant Classification Criteria Version 2. Collection method: clinical testing. Allele origin: germline. Affected: yes. Observed: 1 variant allele.
Comment: PLOD1: PM2

Ambry Genetics
Classification: Uncertain significance for Familial thoracic aortic aneurysm and aortic dissection. Last evaluated: 2025-11-20. Review status: criteria provided, single submitter. Criteria: Ambry Variant Classification Scheme 2023. Collection method: clinical testing. Allele origin: germline.

Labcorp Genetics (formerly Invitae), Labcorp
Classification: Uncertain significance for Ehlers-Danlos syndrome, kyphoscoliotic type 1. Last evaluated: 2021-09-29. Review status: criteria provided, single submitter. Criteria: Invitae Variant Classification Sherloc (09022015). Collection method: clinical testing. Allele origin: germline.
Comment: This sequence change replaces arginine with glutamine at codon 681 of the PLOD1 protein (p.Arg681Gln). The arginine residue is highly conserved and there is a small physicochemical difference between arginine and glutamine. This variant is present in population databases (rs755654001, ExAC 0.006%). This variant has not been reported in the literature in individuals affected with PLOD1-related conditions. Algorithms developed to predict the effect of missense changes on protein structure and function are either unavailable or do not agree on the potential impact of this missense change (SIFT: "Deleterious"; PolyPhen-2: "Probably Damaging"; Align-GVGD: "Class C0"). In summary, the available evidence is currently insufficient to determine the role of this variant in disease. Therefore, it has been classified as a Variant of Uncertain Significance.

NM_000302.4(PLOD1):c.2042G>A (p.Arg681Gln)

Gene: PLOD1 (procollagen-lysine,2-oxoglutarate 5-dioxygenase 1; plus strand). Cytogenetic location: 1p36.22.
Variant type: single nucleotide variant.
Coding change: c.2042G>A on transcript NM_000302.4 (MANE Select); coding-DNA position 2042, G replaced by A.
Protein change: p.Arg681Gln; replaces arginine 681 with glutamine.
Molecular consequence: missense variant.
Genome position (GRCh38, 1-based): chr1:11,974,666, G>A. VCF-style: chr1-11974666-G-A. GRCh37 (hg19) VCF-style: chr1-12034723-G-A.
Other names: c.2183G>A, p.Arg728Gln (NM_001316320.2); short protein forms R681Q, R728Q.
Identifiers: ClinVar variation 855963 (VCV000855963.10), dbSNP rs755654001, ClinGen allele CA598665.